The following is an entry in ClinVar:

NM_139027.6(ADAMTS13):c.2011C>T (p.Pro671Ser)

Gene: ADAMTS13 (ADAM metallopeptidase with thrombospondin type 1 motif 13; plus strand). Cytogenetic location: 9q34.2.
Variant type: single nucleotide variant.
Coding change: c.2011C>T on transcript NM_139027.6 (MANE Select); coding-DNA position 2011, C replaced by T.
Protein change: p.Pro671Ser; replaces proline 671 with serine.
Molecular consequence: missense variant.
Genome position (GRCh38, 1-based): chr9:133,442,441, C>T. VCF-style: chr9-133442441-C-T. GRCh37 (hg19) VCF-style: chr9-136307562-C-T.
Other names: c.2011C>T, p.Pro671Ser (NM_139025.5); c.1918C>T, p.Pro640Ser (NM_139026.6); short protein forms P640S, P671S.
Identifiers: ClinVar variation 3237402 (VCV003237402.1), dbSNP rs2491265358.
Genomic context (GRCh38, chr9:133,442,441, plus strand): 5'-GAAGCTCTTTGTCTGCAGGTTTACAGGCGGTATGGCGAGGAGTATGGCAACCTCACCCGC[C>T]CAGACATCACCTTCACCTACTTCCAGCCTAAGCCACGGCAGGCCTGGGTGTGGGCCGCTG-3'
Protein context (NP_620596.2, residues 661-681): YGEEYGNLTR[Pro671Ser]DITFTYFQPK

ClinVar aggregate classification (germline): Uncertain significance (1 of 4 stars; one submission).

Conditions:
Upshaw-Schulman syndrome (TTP). Also called: THROMBOTIC THROMBOCYTOPENIC PURPURA, HEREDITARY; Congenital thrombotic thrombocytopenic purpura. Identifiers: Orphanet 93583, MedGen C1268935, MONDO:0010122, OMIM 274150.

Submission:

Clinical Genomics Laboratory, Washington University in St. Louis
Classification: Uncertain significance for Upshaw-Schulman syndrome. Last evaluated: 2024-01-26. Review status: criteria provided, single submitter. Criteria: ACMG Guidelines, 2015. Collection method: clinical testing. Allele origin: germline.
Comment: The ADAMTS13 c.2011C>T (p.Pro671Ser) variant, to our knowledge, has not been reported in the medical literature. This variant is absent from the general population (gnomAD v4.0.0), indicating it is not a common variant. Computational predictors are uncertain as to the impact of this variant on ADAMTS13 function. Due to limited information, and based on ACMG/AMP guidelines for variant interpretation (Richards S et al., PMID: 25741868), the clinical significance of the ADAMTS13 c.2011C>T (p.Pro671Ser) variant is uncertain at this time.